The following is an entry in ClinVar:

NM_001130438.3(SPTAN1):c.2561G>A (p.Gly854Asp)

Gene: SPTAN1 (spectrin alpha, non-erythrocytic 1; plus strand). Cytogenetic location: 9q34.11.
Variant type: single nucleotide variant.
Coding change: c.2561G>A on transcript NM_001130438.3 (MANE Select); coding-DNA position 2561, G replaced by A.
Protein change: p.Gly854Asp; replaces glycine 854 with aspartic acid.
Molecular consequence: missense variant.
Genome position (GRCh38, 1-based): chr9:128,585,748, G>A. VCF-style: chr9-128585748-G-A. GRCh37 (hg19) VCF-style: chr9-131348027-G-A.
Other names: c.2561G>A, p.Gly854Asp (NM_001195532.2, NM_001363759.2, NM_001363765.2 and 5 more transcripts); c.2597G>A, p.Gly866Asp (NM_001375312.2, NM_001375318.1); short protein forms G854D, G866D.
Identifiers: ClinVar variation 3604237 (VCV003604237.2).

ClinVar aggregate classification (germline): Uncertain significance (1 of 4 stars; one submission).

Conditions:
Early-infantile DEE. Also called: Early infantile epileptic encephalopathy; Ohtahara syndrome; Early infantile epileptic encephalopathy with suppression bursts. Identifiers: Orphanet 1934, MedGen C0393706, MONDO:0800491.

gnomAD v4.1: 1 of 1,613,874 alleles (0.000062%); highest among the groups gnomAD compares: Non-Finnish European, 0.000085%; no homozygotes.

Submission:

Labcorp Genetics (formerly Invitae), Labcorp
Classification: Uncertain significance for Early-infantile DEE. Last evaluated: 2024-08-07. Review status: criteria provided, single submitter. Criteria: Invitae Variant Classification Sherloc (09022015). Collection method: clinical testing. Allele origin: germline.
Comment: This sequence change replaces glycine, which is neutral and non-polar, with aspartic acid, which is acidic and polar, at codon 854 of the SPTAN1 protein (p.Gly854Asp). This variant is present in population databases (rs781428639, gnomAD 0.0009%). This variant has not been reported in the literature in individuals affected with SPTAN1-related conditions. An algorithm developed to predict the effect of missense changes on protein structure and function (PolyPhen-2) suggests that this variant is likely to be tolerated. In summary, the available evidence is currently insufficient to determine the role of this variant in disease. Therefore, it has been classified as a Variant of Uncertain Significance.